The following is an entry in ClinVar:

ClinVar aggregate classification (germline): Uncertain significance. Review status: criteria provided, multiple submitters, no conflicts (2 of 4 stars). 2 submissions from 2 submitters: Uncertain significance (2). Last evaluated 2025-02-25.

Conditions:
NPHP1-related disorder. Also called: NPHP1-related disorders; NPHP1-related condition.
Nephronophthisis. Also called: Juvenile Nephronophthisis. Identifiers: Orphanet 655, MedGen C0687120, MONDO:0019005, HP:0000090.

Allele frequency attached by ClinVar (database versions not stated): ExAC 0.00001; gnomAD 0.00001; gnomAD exomes 0.00001; TOPMed 0.00001.
gnomAD v4.1: 21 of 1,613,662 alleles (0.0013%); highest among the groups gnomAD compares: Non-Finnish European, 0.0018%; 1 homozygote.

Submissions (2):

PreventionGenetics, part of Exact Sciences
Classification: Uncertain significance for NPHP1-related condition. Last evaluated: 2025-02-25. Review status: criteria provided, single submitter. Criteria: ACMG Guidelines, 2015. Collection method: clinical testing. Allele origin: germline.
Comment: The NPHP1 c.472A>G variant is predicted to result in the amino acid substitution p.Ile158Val. To our knowledge, this variant has not been reported in the literature. This variant is reported in 0.0018% of alleles in individuals of European (Non-Finnish) descent in gnomAD. At this time, the clinical significance of this variant is uncertain due to the absence of conclusive functional and genetic evidence.

Labcorp Genetics (formerly Invitae), Labcorp
Classification: Uncertain significance for Nephronophthisis. Last evaluated: 2022-10-05. Review status: criteria provided, single submitter. Criteria: Invitae Variant Classification Sherloc (09022015). Collection method: clinical testing. Allele origin: germline.
Comment: This sequence change replaces isoleucine, which is neutral and non-polar, with valine, which is neutral and non-polar, at codon 158 of the NPHP1 protein (p.Ile158Val). This variant is present in population databases (rs745768183, gnomAD 0.002%). This variant has not been reported in the literature in individuals affected with NPHP1-related conditions. ClinVar contains an entry for this variant (Variation ID: 1061202). Advanced modeling of protein sequence and biophysical properties (such as structural, functional, and spatial information, amino acid conservation, physicochemical variation, residue mobility, and thermodynamic stability) performed at Invitae indicates that this missense variant is not expected to disrupt NPHP1 protein function. In summary, the available evidence is currently insufficient to determine the role of this variant in disease. Therefore, it has been classified as a Variant of Uncertain Significance.

NM_001128178.3(NPHP1):c.472A>G (p.Ile158Val)

Gene: NPHP1 (nephrocystin 1; minus strand). Cytogenetic location: 2q13.
Variant type: single nucleotide variant.
Coding change: c.472A>G on transcript NM_001128178.3 (MANE Select); coding-DNA position 472, A replaced by G.
Protein change: p.Ile158Val; replaces isoleucine 158 with valine.
Molecular consequence: missense variant.
Genome position (GRCh38, 1-based): chr2:110,169,856, T>C on the plus strand (A>G on the coding strand, the complement: NPHP1 is on the minus strand). VCF-style: chr2-110169856-T-C. GRCh37 (hg19) VCF-style: chr2-110927433-T-C.
Other names: c.472A>G, p.Ile158Val (NM_000272.5, NM_001374256.1, NM_001374257.1 and 1 more transcripts); c.286A>G, p.Ile96Val (NM_001128179.3); c.472A>G (NM_000272.3); short protein forms I158V, I96V.
Identifiers: ClinVar variation 1061202 (VCV001061202.7), dbSNP rs745768183, ClinGen allele CA1827386.